The following is an entry in ClinVar:

ClinVar aggregate classification (germline): Uncertain significance (1 of 4 stars; one submission).

Conditions:
Hereditary cancer-predisposing syndrome. Also called: Tumor predisposition; Hereditary neoplastic syndrome; Neoplastic Syndromes, Hereditary; Hereditary Cancer Syndrome. Identifiers: Orphanet 140162, MedGen C0027672, MeSH D009386, MONDO:0015356.

Submission:

Ambry Genetics
Classification: Uncertain significance for Hereditary cancer-predisposing syndrome. Last evaluated: 2025-04-12. Review status: criteria provided, single submitter. Criteria: Ambry Variant Classification Scheme 2023. Collection method: clinical testing. Allele origin: germline.
Comment: The p.N306D variant (also known as c.916A>G), located in coding exon 6 of the BRIP1 gene, results from an A to G substitution at nucleotide position 916. The asparagine at codon 306 is replaced by aspartic acid, an amino acid with highly similar properties. This amino acid position is conserved. In addition, this alteration is predicted to be tolerated by in silico analysis. Based on the available evidence, the clinical significance of this variant remains unclear.

NM_032043.3(BRIP1):c.916A>G (p.Asn306Asp)

Gene: BRIP1 (BRCA1 interacting DNA helicase 1; minus strand). Cytogenetic location: 17q23.2.
Variant type: single nucleotide variant.
Coding change: c.916A>G on transcript NM_032043.3 (MANE Select); coding-DNA position 916, A replaced by G.
Protein change: p.Asn306Asp; replaces asparagine 306 with aspartic acid.
Molecular consequence: missense variant.
Genome position (GRCh38, 1-based): chr17:61,808,469, T>C on the plus strand (A>G on the coding strand, the complement: BRIP1 is on the minus strand). VCF-style: chr17-61808469-T-C. GRCh37 (hg19) VCF-style: chr17-59885830-T-C.
Other names: short protein forms N306D.
Identifiers: ClinVar variation 3993140 (VCV003993140.1).